The following is an entry in ClinVar:

ClinVar aggregate classification (germline): Likely pathogenic. Review status: criteria provided, multiple submitters, no conflicts (2 of 4 stars). 2 submissions from 2 submitters: Likely pathogenic (2). Last evaluated 2024-04-23.

Conditions:
Focal segmental glomerulosclerosis 5 (FSGS5). Identifiers: Orphanet 656, MedGen C2750475, MONDO:0013191, OMIM 613237.
INF2-related disorder. Also called: INF2-related condition.

Submissions (2):

Blueprint Genetics
Classification: Likely pathogenic for INF2-related disorders. Last evaluated: 2024-04-23. Review status: criteria provided, single submitter. Criteria: ACMG Guidelines, 2015. Collection method: clinical testing. Allele origin: germline. Affected: yes. Observed: 1 variant allele.

3billion
Classification: Likely pathogenic for Focal segmental glomerulosclerosis 5. Review status: criteria provided, single submitter. Criteria: ACMG Guidelines, 2015. Collection method: clinical testing. Allele origin: unknown. Affected: yes. Observed: 1 heterozygote.
Comment: The variant is not observed in the gnomAD v2.1.1 dataset. Missense changes are a common disease-causing mechanism. In silico tool predictions suggest damaging effect of the variant on gene or gene product (REVEL: 0.71; 3Cnet: 0.93). Same nucleotide change resulting in same amino acid change has been previously reported to be associated with INF2 related disorder (PMID: 21866090). A different missense change at the same codon (p.Asn202Ser) has been reported to be associated with INF2 -related disorder (ClinVar ID: VCV001697256 / PMID: 21415313). Therefore, this variant is classified as Likely pathogenic according to the recommendation of ACMG/AMP guideline.

Literature cited by the submitters: PubMed 21866090 (cited by 3billion); PubMed 21415313 (cited by 3billion).

NM_022489.4(INF2):c.604A>G (p.Asn202Asp)

Gene: INF2 (inverted formin 2; plus strand). Cytogenetic location: 14q32.33.
Variant type: single nucleotide variant.
Coding change: c.604A>G on transcript NM_022489.4 (MANE Select); coding-DNA position 604, A replaced by G.
Protein change: p.Asn202Asp; replaces asparagine 202 with aspartic acid.
Molecular consequence: missense variant.
Genome position (GRCh38, 1-based): chr14:104,703,391, A>G. VCF-style: chr14-104703391-A-G. GRCh37 (hg19) VCF-style: chr14-105169728-A-G.
Other names: c.604A>G, p.Asn202Asp (NM_001031714.4, NM_032714.3); short protein forms N202D.
Identifiers: ClinVar variation 2572531 (VCV002572531.2), dbSNP rs2504243379, ClinGen allele CA391213361.